The following is an entry in ClinVar:

ClinVar aggregate classification (germline): Uncertain significance (1 of 4 stars; one submission).

Submission:

Athena Diagnostics
Classification: Uncertain significance. Last evaluated: 2020-10-16. Review status: criteria provided, single submitter. Criteria: Athena Diagnostics Criteria. Collection method: clinical testing. Allele origin: unknown.
Comment: This observation is not an independent occurrence and has been identified in the same individual by RCIGM, the other laboratory participating in the GEMINI study.

NM_001077365.2(POMT1):c.195GCC[1] (p.Pro67del)

Gene: POMT1 (protein O-mannosyltransferase 1; plus strand). Cytogenetic location: 9q34.13.
Variant type: Microsatellite.
Coding change: c.195GCC[1] on transcript NM_001077365.2 (MANE Select); one copy of the 3-base unit GCC starting at c.195; the reference has two copies in a row; one copy, 3 bases deleted.
Protein change: p.Pro67del; deletes proline 67.
Molecular consequence: inframe deletion. On other transcripts: non-coding transcript variant (7), intron variant (8).
Genome position (GRCh38, 1-based): chr9:131,506,189-131,506,191, GCC deleted; deleting any 3 consecutive bases within chr9:131,506,186-131,506,191 gives the same sequence; the position shown is the placement nearest the transcript's 3' end. VCF-style (leftmost placement, unchanged base first): chr9-131506185-GGCC-G. GRCh37 (hg19) VCF-style: chr9-134381572-GGCC-G.
Other names: c.33GCC[1], p.Pro13del (NM_001077366.2, NM_001353194.2, NM_001353197.2 and 3 more transcripts); c.195GCC[1], p.Pro67del (NM_001136113.2, NM_001353193.2, NM_001374690.1 and 1 more transcripts); c.-71-1179_-71-1177del (NM_001374691.1, NM_001374692.1); c.123-214_123-212del (NM_001353196.2); c.-122-214_-122-212del (NM_001353195.2, NM_001353199.2, NM_001136114.2); c.-30+1849_-30+1851del (NM_001374695.1); c.-80-214_-80-212del (NM_001353200.2); short protein forms P13del, P67del.
Identifiers: ClinVar variation 1809728 (VCV001809728.1), dbSNP rs755282220, ClinGen allele CA5293179.